The following is an entry in ClinVar:

NM_018089.3(ANKZF1):c.1364A>G (p.His455Arg)

Gene: ANKZF1 (ankyrin repeat and zinc finger peptidyl tRNA hydrolase 1; plus strand). Cytogenetic location: 2q35.
Variant type: single nucleotide variant.
Coding change: c.1364A>G on transcript NM_018089.3 (MANE Select); coding-DNA position 1364, A replaced by G.
Protein change: p.His455Arg; replaces histidine 455 with arginine.
Molecular consequence: missense variant.
Genome position (GRCh38, 1-based): chr2:219,234,985, A>G. VCF-style: chr2-219234985-A-G. GRCh37 (hg19) VCF-style: chr2-220099707-A-G.
Other names: c.1364A>G, p.His455Arg (NM_001042410.2); c.734A>G, p.His245Arg (NM_001282792.2); c.1364A>G (NM_018089.2); short protein forms H455R, H245R.
Identifiers: ClinVar variation 1407046 (VCV001407046.9), dbSNP rs371028494, ClinGen allele CA2121047.

ClinVar aggregate classification (germline): Uncertain significance. Review status: criteria provided, multiple submitters, no conflicts (2 of 4 stars). 2 submissions from 2 submitters: Uncertain significance (2). Last evaluated 2025-06-18.

Allele frequency attached by ClinVar (database versions not stated): gnomAD exomes 0.00005 and 0.00012; TOPMed 0.00006; ExAC 0.00007; gnomAD 0.00007; ESP Exome Variant Server 0.00016.
gnomAD v4.1: 191 of 1,614,138 alleles (0.012%); highest among the groups gnomAD compares: Non-Finnish European, 0.014%; no homozygotes.

Submissions (2):

Labcorp Genetics (formerly Invitae), Labcorp
Classification: Uncertain significance. Last evaluated: 2025-06-18. Review status: criteria provided, single submitter. Criteria: Invitae Variant Classification Sherloc (09022015). Collection method: clinical testing. Allele origin: germline.
Comment: This sequence change replaces histidine, which is basic and polar, with arginine, which is basic and polar, at codon 455 of the ANKZF1 protein (p.His455Arg). This variant is present in population databases (rs371028494, gnomAD 0.01%). This variant has not been reported in the literature in individuals affected with ANKZF1-related conditions. ClinVar contains an entry for this variant (Variation ID: 1407046). An algorithm developed to predict the effect of missense changes on protein structure and function (PolyPhen-2) suggests that this variant is likely to be tolerated. In summary, the available evidence is currently insufficient to determine the role of this variant in disease. Therefore, it has been classified as a Variant of Uncertain Significance.

Ambry Genetics
Classification: Uncertain significance. Last evaluated: 2024-03-08. Review status: criteria provided, single submitter. Criteria: Ambry Variant Classification Scheme 2023. Collection method: clinical testing. Allele origin: germline.